The following is an entry in ClinVar:

ClinVar aggregate classification (germline): Conflicting classifications of pathogenicity. Review status: criteria provided, conflicting classifications (1 of 4 stars). 2 submissions from 2 submitters: Uncertain significance (1); Likely benign (1). Last evaluated 2025-03-28.

Conditions:
Hereditary cancer-predisposing syndrome. Also called: Hereditary Cancer Syndrome; Neoplastic Syndromes, Hereditary; Tumor predisposition; Hereditary neoplastic syndrome. Identifiers: Orphanet 140162, MedGen C0027672, MeSH D009386, MONDO:0015356.
EGFR-related lung cancer (EGFR). Identifiers: MedGen CN130014.

Allele frequency attached by ClinVar (database versions not stated): gnomAD exomes below 0.00001; TOPMed below 0.00001.
gnomAD v4.1: 5 of 1,614,190 alleles (0.00031%); highest among the groups gnomAD compares: African/African-American, 0.0013%; no homozygotes.

Submissions (2):

Ambry Genetics
Classification: Likely benign for Hereditary cancer-predisposing syndrome. Last evaluated: 2025-03-28. Review status: criteria provided, single submitter. Criteria: Ambry Variant Classification Scheme 2023. Collection method: clinical testing. Allele origin: germline.

Labcorp Genetics (formerly Invitae), Labcorp
Classification: Uncertain significance for EGFR-related lung cancer. Last evaluated: 2021-08-31. Review status: criteria provided, single submitter. Criteria: Invitae Variant Classification Sherloc (09022015). Collection method: clinical testing. Allele origin: germline.
Comment: This sequence change replaces threonine with alanine at codon 1191 of the EGFR protein (p.Thr1191Ala). The threonine residue is weakly conserved and there is a small physicochemical difference between threonine and alanine. This variant is not present in population databases (ExAC no frequency). This variant has not been reported in the literature in individuals affected with EGFR-related conditions. Algorithms developed to predict the effect of missense changes on protein structure and function output the following: SIFT: "Tolerated"; PolyPhen-2: "Benign"; Align-GVGD: "Class C0". The alanine amino acid residue is found in multiple mammalian species, which suggests that this missense change does not adversely affect protein function. In summary, the available evidence is currently insufficient to determine the role of this variant in disease. Therefore, it has been classified as a Variant of Uncertain Significance.

NM_005228.5(EGFR):c.3571A>G (p.Thr1191Ala)

Gene: EGFR (epidermal growth factor receptor; plus strand). Cytogenetic location: 7p11.2.
Variant type: single nucleotide variant.
Coding change: c.3571A>G on transcript NM_005228.5 (MANE Select); coding-DNA position 3571, A replaced by G.
Protein change: p.Thr1191Ala; replaces threonine 1191 with alanine.
Molecular consequence: missense variant.
Genome position (GRCh38, 1-based): chr7:55,205,555, A>G. VCF-style: chr7-55205555-A-G. GRCh37 (hg19) VCF-style: chr7-55273248-A-G.
Other names: c.3571A>G (NM_005228.3); c.3436A>G, p.Thr1146Ala (NM_001346899.2); c.3412A>G, p.Thr1138Ala (NM_001346900.2); c.2770A>G, p.Thr924Ala (NM_001346941.2); short protein forms T1138A, T1146A, T1191A, T924A.
Identifiers: ClinVar variation 1021477 (VCV001021477.7), dbSNP rs1788076877, ClinGen allele CA367584919.
Genomic context (GRCh38, chr7:55,205,555, plus strand): 5'-GACTACCAGCAGGACTTCTTTCCCAAGGAAGCCAAGCCAAATGGCATCTTTAAGGGCTCC[A>G]CAGCTGAAAATGCAGAATACCTAAGGGTCGCGCCACAAAGCAGTGAATTTATTGGAGCAT-3'
Protein context (NP_005219.2, residues 1181-1201): AKPNGIFKGS[Thr1191Ala]AENAEYLRVA